The following is an entry in ClinVar:

NM_012463.4(ATP6V0A2):c.*998T>C

Gene: ATP6V0A2 (ATPase H+ transporting V0 subunit a2; plus strand). Cytogenetic location: 12q24.31.
Variant type: single nucleotide variant.
Coding change: c.*998T>C on transcript NM_012463.4 (MANE Select); 998 bases downstream of the stop codon, T replaced by C.
Molecular consequence: 3 prime UTR variant.
Genome position (GRCh38, 1-based): chr12:123,759,030, T>C. VCF-style: chr12-123759030-T-C. GRCh37 (hg19) VCF-style: chr12-124243577-T-C.
Identifiers: ClinVar variation 307609 (VCV000307609.5), dbSNP rs12298446, ClinGen allele CA10632211.

ClinVar aggregate classification (germline): Likely benign (1 of 4 stars; one submission).

Conditions:
Cutis laxa with osteodystrophy (ARCL2A). Also called: Debré-Type Cutis Laxa; CUTIS LAXA WITH CONGENITAL DISORDER OF GLYCOSYLATION; CUTIS LAXA, AUTOSOMAL RECESSIVE, TYPE IIA; CUTIS LAXA WITH BONE DYSTROPHY; CUTIS LAXA WITH GROWTH AND DEVELOPMENTAL DELAY; CUTIS LAXA WITH JOINT LAXITY AND RETARDED DEVELOPMENT. Identifiers: Orphanet 357058, MedGen C0268355, MONDO:0018163, OMIM 219200. Disease mechanism: loss of function.

Allele frequency attached by ClinVar (database versions not stated): gnomAD 0.00401 and 0.00452; TOPMed 0.00769; 1000 Genomes Project 30x 0.01452; 1000 Genomes Project 0.01438.

Submission:

Illumina Laboratory Services, Illumina
Classification: Likely benign for Cutis laxa with osteodystrophy. Last evaluated: 2017-04-27. Review status: criteria provided, single submitter. Criteria: ICSL Variant Classification Criteria 13 December 2019. Collection method: clinical testing. Allele origin: germline.
Comment: This variant was observed as part of a predisposition screen in an ostensibly healthy population. A literature search was performed for the gene, cDNA change, and amino acid change (where applicable). No publications were found based on this search. Allele frequency data from public databases allowed determination this variant is unlikely to cause disease. Therefore, this variant is classified as likely benign.